The following is an entry in ClinVar:

ClinVar aggregate classification (germline): Uncertain significance (1 of 4 stars; one submission).

Conditions:
Inborn genetic diseases. Identifiers: MedGen C0950123, MeSH D030342.

Submission:

Ambry Genetics
Classification: Uncertain significance for Inborn genetic diseases. Last evaluated: 2026-05-15. Review status: criteria provided, single submitter. Criteria: Ambry Variant Classification Scheme 2023. Collection method: clinical testing. Allele origin: germline.
Comment: The p.G1045R variant (also known as c.3133G>C), located in coding exon 1 of the SAMD9 gene, results from a G to C substitution at nucleotide position 3133. The glycine at codon 1045 is replaced by arginine, an amino acid with dissimilar properties. This amino acid position is conserved. In addition, this alteration is predicted to be tolerated by in silico analysis. Based on the available evidence, the clinical significance of this variant remains unclear.

NM_017654.4(SAMD9):c.3133G>C (p.Gly1045Arg)

Gene: SAMD9 (sterile alpha motif domain containing 9; minus strand). Cytogenetic location: 7q21.2.
Variant type: single nucleotide variant.
Coding change: c.3133G>C on transcript NM_017654.4 (MANE Select); coding-DNA position 3133, G replaced by C.
Protein change: p.Gly1045Arg; replaces glycine 1045 with arginine.
Molecular consequence: missense variant.
Genome position (GRCh38, 1-based): chr7:93,102,965, C>G on the plus strand (G>C on the coding strand, the complement: SAMD9 is on the minus strand). VCF-style: chr7-93102965-C-G. GRCh37 (hg19) VCF-style: chr7-92732278-C-G.
Other names: c.3133G>C, p.Gly1045Arg (NM_001193307.2); short protein forms G1045R.
Identifiers: ClinVar variation 4863856 (VCV004863856.1).